The following is an entry in ClinVar:

ClinVar aggregate classification (germline): Uncertain significance. Review status: criteria provided, multiple submitters, no conflicts (2 of 4 stars). 3 submissions from 3 submitters: Uncertain significance (3). Last evaluated 2023-09-09.

Conditions:
Bethlem myopathy 1A. Also called: Bethlem Muscular Dystrophy; MYOPATHY, BENIGN CONGENITAL, WITH CONTRACTURES; Bethlem myopathy 1. Identifiers: Orphanet 610, MedGen CN029274, MONDO:0024530, OMIM 158810.

Allele frequency attached by ClinVar (database versions not stated): 1000 Genomes Project 0.00020; TOPMed 0.00002; gnomAD 0.00003 and 0.00002; 1000 Genomes Project 30x 0.00016; ExAC 0.00001; gnomAD exomes 0.00001.
gnomAD v4.1: 15 of 1,612,986 alleles (0.00093%); highest among the groups gnomAD compares: Admixed American, 0.0017%; no homozygotes.

Submissions (3):

Labcorp Genetics (formerly Invitae), Labcorp
Classification: Uncertain significance for Bethlem myopathy 1A. Last evaluated: 2023-09-09. Review status: criteria provided, single submitter. Criteria: Invitae Variant Classification Sherloc (09022015). Collection method: clinical testing. Allele origin: germline.
Comment: This variant is present in population databases (rs200709432, gnomAD 0.0009%). This sequence change replaces arginine, which is basic and polar, with cysteine, which is neutral and slightly polar, at codon 750 of the COL6A2 protein (p.Arg750Cys). This variant has not been reported in the literature in individuals affected with COL6A2-related conditions. ClinVar contains an entry for this variant (Variation ID: 285323). Advanced modeling of protein sequence and biophysical properties (such as structural, functional, and spatial information, amino acid conservation, physicochemical variation, residue mobility, and thermodynamic stability) performed at Invitae indicates that this missense variant is not expected to disrupt COL6A2 protein function. In summary, the available evidence is currently insufficient to determine the role of this variant in disease. Therefore, it has been classified as a Variant of Uncertain Significance.

Revvity Omics, Revvity
Classification: Uncertain significance. Last evaluated: 2019-03-06. Review status: criteria provided, single submitter. Criteria: ACMG Guidelines, 2015. Collection method: clinical testing. Allele origin: germline.

Eurofins Ntd Llc (ga)
Classification: Uncertain significance. Last evaluated: 2016-01-19. Review status: criteria provided, single submitter. Criteria: EGL Classification Definitions 2015. Collection method: clinical testing. Allele origin: germline. Observed: 1 variant allele, 1 heterozygote.

NM_001849.4(COL6A2):c.2248C>T (p.Arg750Cys)

Gene: COL6A2 (collagen type VI alpha 2 chain; plus strand). Cytogenetic location: 21q22.3.
Variant type: single nucleotide variant.
Coding change: c.2248C>T on transcript NM_001849.4 (MANE Select); coding-DNA position 2248, C replaced by T.
Protein change: p.Arg750Cys; replaces arginine 750 with cysteine.
Molecular consequence: missense variant.
Genome position (GRCh38, 1-based): chr21:46,126,063, C>T. VCF-style: chr21-46126063-C-T. GRCh37 (hg19) VCF-style: chr21-47545977-C-T.
Other names: c.2248C>T (NM_001849.3); c.2248C>T, p.Arg750Cys (NM_058174.3, NM_058175.3); short protein forms R750C.
Identifiers: ClinVar variation 285323 (VCV000285323.11), dbSNP rs200709432, ClinGen allele CA10072483.